The following is an entry in ClinVar:

NM_001042492.3(NF1):c.4913dup (p.Tyr1639fs)

Gene: NF1 (neurofibromin 1; plus strand). Cytogenetic location: 17q11.2.
Variant type: Duplication.
Coding change: c.4913dup on transcript NM_001042492.3 (MANE Select); coding-DNA position 4913, one base duplicated (C; older notation c.4913dupC).
Protein change: p.Tyr1639fs; shifts the reading frame from tyrosine 1639.
Molecular consequence: frameshift variant.
Genome position (GRCh38, 1-based): chr17:31,325,897, C duplicated; the last of 2 consecutive C bases (chr17:31,325,896-31,325,897); duplicating either gives the same sequence. VCF-style (leftmost placement, unchanged base first): chr17-31325895-G-GC. GRCh37 (hg19) VCF-style: chr17-29652913-G-GC.
Other names: c.4850dup, p.Tyr1618Ilefs (NM_000267.4); short protein forms Y1618fs, Y1639fs.
Identifiers: ClinVar variation 2716707 (VCV002716707.3), dbSNP rs2508694932, ClinGen allele CA2697559546.

ClinVar aggregate classification (germline): Pathogenic (1 of 4 stars; one submission).

Conditions:
Neurofibromatosis, type 1 (NF1). Also called: Neurofibromatosis, type I; NEUROFIBROMATOSIS, TYPE I, SOMATIC; Peripheral type neurofibromatosis; VON RECKLINGHAUSEN DISEASE. Identifiers: Orphanet 636, MedGen C0027831, MONDO:0018975, OMIM 162200. Disease mechanism: loss of function.

Submission:

Labcorp Genetics (formerly Invitae), Labcorp
Classification: Pathogenic for Neurofibromatosis, type 1. Last evaluated: 2023-05-25. Review status: criteria provided, single submitter. Criteria: Invitae Variant Classification Sherloc (09022015). Collection method: clinical testing. Allele origin: germline.
Comment: This sequence change creates a premature translational stop signal (p.Tyr1618Ilefs*2) in the NF1 gene. It is expected to result in an absent or disrupted protein product. Loss-of-function variants in NF1 are known to be pathogenic (PMID: 10712197, 23913538). This variant is not present in population databases (gnomAD no frequency). This variant has not been reported in the literature in individuals affected with NF1-related conditions. For these reasons, this variant has been classified as Pathogenic.

Literature cited by the submitters: PubMed 10712197; PubMed 23913538.